The following is an entry in ClinVar:

ClinVar aggregate classification (germline): Uncertain significance (1 of 4 stars; one submission).

Allele frequency attached by ClinVar (database versions not stated): gnomAD exomes below 0.00001; gnomAD 0.00001.
gnomAD v4.1: 3 of 1,609,918 alleles (0.00019%); highest among the groups gnomAD compares: African/African-American, 0.0013%; no homozygotes.

Submission:

Labcorp Genetics (formerly Invitae), Labcorp
Classification: Uncertain significance. Last evaluated: 2025-09-08. Review status: criteria provided, single submitter. Criteria: Invitae Variant Classification Sherloc (09022015). Collection method: clinical testing. Allele origin: germline.
Comment: This sequence change replaces histidine, which is basic and polar, with arginine, which is basic and polar, at codon 1004 of the TTLL5 protein (p.His1004Arg). This variant is not present in population databases (gnomAD no frequency). This variant has not been reported in the literature in individuals affected with TTLL5-related conditions. ClinVar contains an entry for this variant (Variation ID: 1374753). Invitae Evidence Modeling of protein sequence and biophysical properties (such as structural, functional, and spatial information, amino acid conservation, physicochemical variation, residue mobility, and thermodynamic stability) indicates that this missense variant is not expected to disrupt TTLL5 protein function with a negative predictive value of 80%. In summary, the available evidence is currently insufficient to determine the role of this variant in disease. Therefore, it has been classified as a Variant of Uncertain Significance.

NM_015072.5(TTLL5):c.3011A>G (p.His1004Arg)

Gene: TTLL5 (tubulin tyrosine ligase like 5; plus strand). Cytogenetic location: 14q24.3.
Variant type: single nucleotide variant.
Coding change: c.3011A>G on transcript NM_015072.5 (MANE Select); coding-DNA position 3011, A replaced by G.
Protein change: p.His1004Arg; replaces histidine 1004 with arginine.
Molecular consequence: missense variant.
Genome position (GRCh38, 1-based): chr14:75,792,940, A>G. VCF-style: chr14-75792940-A-G. GRCh37 (hg19) VCF-style: chr14-76259283-A-G.
Other names: short protein forms H1004R.
Identifiers: ClinVar variation 1374753 (VCV001374753.6), dbSNP rs1892808471, ClinGen allele CA390473164.